The following is an entry in ClinVar:

NM_007186.6(CEP250):c.6766G>A (p.Ala2256Thr)

Gene: CEP250 (centrosomal protein 250; plus strand). Cytogenetic location: 20q11.22.
Variant type: single nucleotide variant.
Coding change: c.6766G>A on transcript NM_007186.6 (MANE Select); coding-DNA position 6766, G replaced by A.
Protein change: p.Ala2256Thr; replaces alanine 2256 with threonine.
Molecular consequence: missense variant.
Genome position (GRCh38, 1-based): chr20:35,508,050, G>A. VCF-style: chr20-35508050-G-A. GRCh37 (hg19) VCF-style: chr20-34095879-G-A.
Other names: c.4870G>A, p.Ala1624Thr (NM_001318219.1); short protein forms A1624T, A2256T.
Identifiers: ClinVar variation 1022795 (VCV001022795.7), dbSNP rs1327426707, ClinGen allele CA408759778.

ClinVar aggregate classification (germline): Uncertain significance (1 of 4 stars; one submission).

Allele frequency attached by ClinVar (database versions not stated): TOPMed below 0.00001.

Submission:

Labcorp Genetics (formerly Invitae), Labcorp
Classification: Uncertain significance. Last evaluated: 2020-03-17. Review status: criteria provided, single submitter. Criteria: Invitae Variant Classification Sherloc (09022015). Collection method: clinical testing. Allele origin: germline.
Comment: This variant has not been reported in the literature in individuals with CEP250-related conditions. Algorithms developed to predict the effect of missense changes on protein structure and function output the following: SIFT: "Not Available"; PolyPhen-2: "Benign"; Align-GVGD: "Not Available". The threonine amino acid residue is found in multiple mammalian species, suggesting that this missense change does not adversely affect protein function. These predictions have not been confirmed by published functional studies and their clinical significance is uncertain. In summary, the available evidence is currently insufficient to determine the role of this variant in disease. Therefore, it has been classified as a Variant of Uncertain Significance. This variant is not present in population databases (ExAC no frequency). This sequence change replaces alanine with threonine at codon 2256 of the CEP250 protein (p.Ala2256Thr). The alanine residue is weakly conserved and there is a small physicochemical difference between alanine and threonine.